The following is an entry in ClinVar:

ClinVar aggregate classification (germline): Uncertain significance (1 of 4 stars; one submission).

Conditions:
Rhabdoid tumor predisposition syndrome 2 (RTPS2). Identifiers: Orphanet 231108, Orphanet 69077, MedGen C2750074, MONDO:0013224, OMIM 613325.

Submission:

Labcorp Genetics (formerly Invitae), Labcorp
Classification: Uncertain significance for Rhabdoid tumor predisposition syndrome 2. Last evaluated: 2020-03-11. Review status: criteria provided, single submitter. Criteria: Invitae Variant Classification Sherloc (09022015). Collection method: clinical testing. Allele origin: germline.
Comment: This sequence change replaces cysteine with serine at codon 1359 of the SMARCA4 protein (p.Cys1359Ser). The cysteine residue is highly conserved and there is a moderate physicochemical difference between cysteine and serine. This variant is not present in population databases (ExAC no frequency). This variant has not been reported in the literature in individuals with SMARCA4-related conditions. Algorithms developed to predict the effect of missense changes on protein structure and function are either unavailable or do not agree on the potential impact of this missense change (SIFT: "Deleterious"; PolyPhen-2: "Benign"; Align-GVGD: "Class C0"). In summary, the available evidence is currently insufficient to determine the role of this variant in disease. Therefore, it has been classified as a Variant of Uncertain Significance.

NM_003072.5(SMARCA4):c.4076G>C (p.Cys1359Ser)

Gene: SMARCA4 (SWI/SNF related BAF chromatin remodeling complex subunit ATPase 4; plus strand). Cytogenetic location: 19p13.2.
Variant type: single nucleotide variant.
Coding change: c.4076G>C on transcript NM_003072.5 (MANE Select); coding-DNA position 4076, G replaced by C.
Protein change: p.Cys1359Ser; replaces cysteine 1359 with serine.
Molecular consequence: missense variant. On other transcripts: non-coding transcript variant (1).
Genome position (GRCh38, 1-based): chr19:11,035,038, G>C. VCF-style: chr19-11035038-G-C. GRCh37 (hg19) VCF-style: chr19-11145714-G-C.
Other names: c.4076G>C, p.Cys1359Ser (NM_001128844.3, NM_001128849.3); c.3977G>C, p.Cys1326Ser (NM_001128845.2, NM_001128846.2, NM_001128847.4 and 2 more transcripts); short protein forms C1326S, C1359S.
Identifiers: ClinVar variation 1026989 (VCV001026989.8), dbSNP rs2075182244, ClinGen allele CA404068261.